The following is an entry in ClinVar:

NM_001046.3(SLC12A2):c.2474T>C (p.Met825Thr)

Gene: SLC12A2 (solute carrier family 12 member 2; plus strand). Cytogenetic location: 5q23.3.
Variant type: single nucleotide variant.
Coding change: c.2474T>C on transcript NM_001046.3 (MANE Select); coding-DNA position 2474, T replaced by C.
Protein change: p.Met825Thr; replaces methionine 825 with threonine.
Molecular consequence: missense variant. On other transcripts: non-coding transcript variant (1).
Genome position (GRCh38, 1-based): chr5:128,158,163, T>C. VCF-style: chr5-128158163-T-C. GRCh37 (hg19) VCF-style: chr5-127493855-T-C.
Other names: c.2474T>C, p.Met825Thr (NM_001256461.2); short protein forms M825T.
Identifiers: ClinVar variation 1444411 (VCV001444411.8), dbSNP rs1167874915, ClinGen allele CA360750912.
Genomic context (GRCh38, chr5:128,158,163, plus strand): 5'-TTCATCTTGTTCATGATTTCACAAAAAATGTTGGTTTGATGATCTGTGGCCATGTACATA[T>C]GGTAAGTATCAATTTTGTTTTCTTTTTCAAGTTTTTTTTTAAAGTTTTATTTTAGGTTCA-3'
Protein context (NP_001037.1, residues 815-835): VGLMICGHVH[Met825Thr]GPRRQAMKEM

ClinVar aggregate classification (germline): Uncertain significance (1 of 4 stars; one submission).

Allele frequency attached by ClinVar (database versions not stated): gnomAD exomes 0.00001.
gnomAD v4.1: 6 of 1,595,536 alleles (0.00038%); highest among the groups gnomAD compares: Admixed American, 0.0018%; no homozygotes.

Submission:

Labcorp Genetics (formerly Invitae), Labcorp
Classification: Uncertain significance. Last evaluated: 2022-07-09. Review status: criteria provided, single submitter. Criteria: Invitae Variant Classification Sherloc (09022015). Collection method: clinical testing. Allele origin: germline.
Comment: In summary, the available evidence is currently insufficient to determine the role of this variant in disease. Therefore, it has been classified as a Variant of Uncertain Significance. Algorithms developed to predict the effect of missense changes on protein structure and function (SIFT, PolyPhen-2, Align-GVGD) all suggest that this variant is likely to be tolerated. ClinVar contains an entry for this variant (Variation ID: 1444411). This variant has not been reported in the literature in individuals affected with SLC12A2-related conditions. This variant is present in population databases (no rsID available, gnomAD 0.003%). This sequence change replaces methionine, which is neutral and non-polar, with threonine, which is neutral and polar, at codon 825 of the SLC12A2 protein (p.Met825Thr).